The following is an entry in ClinVar:

ClinVar aggregate classification (germline): Pathogenic (1 of 4 stars; one submission).

Conditions:
Hereditary spastic paraplegia 3A (SPG3A). Also called: SPASTIC PARAPLEGIA 3, AUTOSOMAL DOMINANT; FAMILIAL SPASTIC PARAPLEGIA, AUTOSOMAL DOMINANT, 1; SPG3; STRUMPELL DISEASE; Spastic Paraplegia 3A; Spastic paraplegia 3A, autosomal dominant. Identifiers: Orphanet 100984, MedGen C2931355, MONDO:0008437, OMIM 182600.

Submission:

Labcorp Genetics (formerly Invitae), Labcorp
Classification: Pathogenic for Hereditary spastic paraplegia 3A. Last evaluated: 2024-03-07. Review status: criteria provided, single submitter. Criteria: Invitae Variant Classification Sherloc (09022015). Collection method: clinical testing. Allele origin: germline.
Comment: This sequence change creates a premature translational stop signal (p.Tyr496*) in the ATL1 gene. It is expected to result in an absent or disrupted protein product. Loss-of-function variants in ATL1 are known to be pathogenic (PMID: 26888483). This variant is not present in population databases (gnomAD no frequency). This variant has not been reported in the literature in individuals affected with ATL1-related conditions. ClinVar contains an entry for this variant (Variation ID: 640860). For these reasons, this variant has been classified as Pathogenic.

Literature cited by the submitters: PubMed 26888483.

NM_015915.5(ATL1):c.1488C>A (p.Tyr496Ter)

Gene: ATL1 (atlastin GTPase 1; plus strand). Cytogenetic location: 14q22.1.
Variant type: single nucleotide variant.
Coding change: c.1488C>A on transcript NM_015915.5 (MANE Select); coding-DNA position 1488, C replaced by A.
Protein change: p.Tyr496Ter; replaces tyrosine 496 with a stop codon.
Molecular consequence: nonsense.
Genome position (GRCh38, 1-based): chr14:50,628,399, C>A. VCF-style: chr14-50628399-C-A. GRCh37 (hg19) VCF-style: chr14-51095117-C-A.
Other names: c.1488C>A, p.Tyr496Ter (NM_001127713.1, NM_181598.4); short protein forms Y496*.
Identifiers: ClinVar variation 640860 (VCV000640860.6), dbSNP rs779304953, ClinGen allele CA389676397.